The following is an entry in ClinVar:

NM_015176.4(FBXO28):c.660G>A (p.Lys220=)

Gene: FBXO28 (F-box protein 28; plus strand). Cytogenetic location: 1q42.11.
Variant type: single nucleotide variant.
Coding change: c.660G>A on transcript NM_015176.4 (MANE Select); coding-DNA position 660, G replaced by A.
Protein change: p.Lys220=; no amino-acid change (lysine 220 retained).
Molecular consequence: synonymous variant. On other transcripts: non-coding transcript variant (1), intron variant (1).
Genome position (GRCh38, 1-based): chr1:224,153,285, G>A. VCF-style: chr1-224153285-G-A. GRCh37 (hg19) VCF-style: chr1-224340987-G-A.
Other names: c.517-4067G>A (NM_001136115.3).
Identifiers: ClinVar variation 4822418 (VCV004822418.4).

ClinVar aggregate classification (germline): Likely benign (1 of 4 stars; one submission).

gnomAD v4.1: 141 of 1,611,034 alleles (0.0088%); highest among the groups gnomAD compares: Non-Finnish European, 0.011%; 1 homozygote.

Submission:

CeGaT Center for Human Genetics Tuebingen
Classification: Likely benign. Last evaluated: 2026-02-01. Review status: criteria provided, single submitter. Criteria: CeGaT Center For Human Genetics Tuebingen Variant Classification Criteria Version 2. Collection method: clinical testing. Allele origin: germline. Affected: yes. Observed: 1 variant allele.
Comment: FBXO28: BP4, BP7